The following is an entry in ClinVar:

NM_152564.5(VPS13B):c.11327G>A (p.Gly3776Glu)

Gene: VPS13B (vacuolar protein sorting 13 homolog B; plus strand). Cytogenetic location: 8q22.2.
Variant type: single nucleotide variant.
Coding change: c.11327G>A on transcript NM_152564.5 (MANE Select); coding-DNA position 11327, G replaced by A.
Protein change: p.Gly3776Glu; replaces glycine 3776 with glutamic acid.
Molecular consequence: missense variant.
Genome position (GRCh38, 1-based): chr8:99,868,400, G>A. VCF-style: chr8-99868400-G-A. GRCh37 (hg19) VCF-style: chr8-100880628-G-A.
Other names: c.11402G>A, p.Gly3801Glu (NM_017890.5); short protein forms G3801E, G3776E.
Identifiers: ClinVar variation 2101263 (VCV002101263.4), dbSNP rs2492347152, ClinGen allele CA371792151.

ClinVar aggregate classification (germline): Uncertain significance (1 of 4 stars; one submission).

Conditions:
Cohen syndrome (COH1). Also called: Cutis verticis gyrata, retinitis pigmentosa, and sensorineural deafness; PEPPER SYNDROME. Identifiers: Orphanet 193, MedGen C0265223, MONDO:0008999, OMIM 216550.

Submission:

Labcorp Genetics (formerly Invitae), Labcorp
Classification: Uncertain significance for Cohen syndrome. Last evaluated: 2022-02-21. Review status: criteria provided, single submitter. Criteria: Invitae Variant Classification Sherloc (09022015). Collection method: clinical testing. Allele origin: germline.
Comment: This variant has not been reported in the literature in individuals affected with VPS13B-related conditions. In summary, the available evidence is currently insufficient to determine the role of this variant in disease. Therefore, it has been classified as a Variant of Uncertain Significance. Algorithms developed to predict the effect of missense changes on protein structure and function are either unavailable or do not agree on the potential impact of this missense change (SIFT: "Not Available"; PolyPhen-2: "Probably Damaging"; Align-GVGD: "Not Available"). This variant is not present in population databases (gnomAD no frequency). This sequence change replaces glycine, which is neutral and non-polar, with glutamic acid, which is acidic and polar, at codon 3801 of the VPS13B protein (p.Gly3801Glu).